The following is an entry in ClinVar:

NM_206933.4(USH2A):c.7231C>T (p.Gln2411Ter)

Gene: USH2A (usherin; minus strand). Cytogenetic location: 1q41.
Variant type: single nucleotide variant.
Coding change: c.7231C>T on transcript NM_206933.4 (MANE Select); coding-DNA position 7231, C replaced by T.
Protein change: p.Gln2411Ter; replaces glutamine 2411 with a stop codon.
Molecular consequence: nonsense.
Genome position (GRCh38, 1-based): chr1:215,934,685, G>A on the plus strand (C>T on the coding strand, the complement: USH2A is on the minus strand). VCF-style: chr1-215934685-G-A. GRCh37 (hg19) VCF-style: chr1-216108027-G-A.
Other names: short protein forms Q2411*.
Identifiers: ClinVar variation 853660 (VCV000853660.11), dbSNP rs755693369, ClinGen allele CA344857466.

ClinVar aggregate classification (germline): Pathogenic/Likely pathogenic. Review status: criteria provided, multiple submitters, no conflicts (2 of 4 stars). 3 submissions from 3 submitters: Pathogenic (2); Likely pathogenic (1). Last evaluated 2025-12-20.

Conditions:
Usher syndrome type 2A. Also called: RETINAL DISEASE IN USHER SYNDROME TYPE IIA, MODIFIER OF; USHER SYNDROME, TYPE IIA. Identifiers: Orphanet 231178, Orphanet 886, MedGen C1848634, MONDO:0010169, OMIM 276901.

Allele frequency attached by ClinVar (database versions not stated): gnomAD exomes 0.00001.
gnomAD v4.1: 4 of 1,612,780 alleles (0.00025%); highest among the groups gnomAD compares: Non-Finnish European, 0.00034%; no homozygotes.

Submissions (3):

Labcorp Genetics (formerly Invitae), Labcorp
Classification: Pathogenic. Last evaluated: 2025-12-20. Review status: criteria provided, single submitter. Criteria: Invitae Variant Classification Sherloc (09022015). Collection method: clinical testing. Allele origin: germline.
Comment: This sequence change creates a premature translational stop signal (p.Gln2411*) in the USH2A gene. It is expected to result in an absent or disrupted protein product. Loss-of-function variants in USH2A are known to be pathogenic (PMID: 10729113, 10909849, 20507924, 25649381). This variant is not present in population databases (gnomAD no frequency). This premature translational stop signal has been observed in individual(s) with Usher syndrome (PMID: 29625443). In at least one individual the data is consistent with being in trans (on the opposite chromosome) from a pathogenic variant. ClinVar contains an entry for this variant (Variation ID: 853660). For these reasons, this variant has been classified as Pathogenic.

Laboratory of Genetics, Children's Clinical University Hospital Latvia
Classification: Likely pathogenic. Last evaluated: 2025-02-16. Review status: criteria provided, single submitter. Criteria: ACMG Guidelines, 2015. Collection method: clinical testing. Allele origin: germline. Affected: yes.

Natera, Inc.
Classification: Pathogenic for Usher syndrome type 2A. Last evaluated: 2024-05-27. Review status: criteria provided, single submitter. Criteria: Natera Variant Classification Schema (03/2026). Collection method: clinical testing. Allele origin: germline.
Comment: The c.7231C>T variant in USH2A is a nonsense variant predicted to introduce a stop codon at amino acid 2411. This variant is expected to result in nonsense mediated decay, truncation, or a dysfunctional protein product. This variant is rare in the general population with a frequency below the threshold expected for the associated phenotype(s). This variant has been observed in one or more individuals affected with the associated recessive disease, as either homozygous or compound heterozygous with a second variant (PMID: 29625443, 32675063). Given the available evidence, this variant is classified as Pathogenic.

Literature cited by the submitters: PubMed 10729113 (cited by Labcorp Genetics (formerly Invitae), Labcorp); PubMed 10909849 (cited by Labcorp Genetics (formerly Invitae), Labcorp); PubMed 20507924 (cited by Labcorp Genetics (formerly Invitae), Labcorp); PubMed 25649381 (cited by Labcorp Genetics (formerly Invitae), Labcorp); PubMed 29625443 (cited by Labcorp Genetics (formerly Invitae), Labcorp and Natera, Inc.); PubMed 32675063 (cited by Natera, Inc.).